The following is an entry in ClinVar:

NM_018249.6(CDK5RAP2):c.1433T>C (p.Val478Ala)

Gene: CDK5RAP2 (CDK5 regulatory subunit associated protein 2; minus strand). Cytogenetic location: 9q33.2.
Variant type: single nucleotide variant.
Coding change: c.1433T>C on transcript NM_018249.6 (MANE Select); coding-DNA position 1433, T replaced by C.
Protein change: p.Val478Ala; replaces valine 478 with alanine.
Molecular consequence: missense variant. On other transcripts: non-coding transcript variant (5).
Genome position (GRCh38, 1-based): chr9:120,491,356, A>G on the plus strand (T>C on the coding strand, the complement: CDK5RAP2 is on the minus strand). VCF-style: chr9-120491356-A-G. GRCh37 (hg19) VCF-style: chr9-123253634-A-G.
Other names: c.1433T>C, p.Val478Ala (NM_001011649.3, NM_001272039.2); short protein forms V478A.
Identifiers: ClinVar variation 158131 (VCV000158131.7), dbSNP rs587783382, ClinGen allele CA271195.

ClinVar aggregate classification (germline): Uncertain significance. Review status: criteria provided, multiple submitters, no conflicts (2 of 4 stars). 2 submissions from 2 submitters: Uncertain significance (2). Last evaluated 2022-06-06.

Conditions:
Microcephaly 3, primary, autosomal recessive. Identifiers: Orphanet 2512, MedGen C1858108, MONDO:0011488, OMIM 604804.

Allele frequency attached by ClinVar (database versions not stated): gnomAD 0.00001; gnomAD exomes 0.00001 and 0.00004; TOPMed 0.00001; ExAC 0.00007.
gnomAD v4.1: 13 of 1,613,424 alleles (0.00081%); highest among the groups gnomAD compares: Admixed American, 0.02%; no homozygotes.

Submissions (2):

Labcorp Genetics (formerly Invitae), Labcorp
Classification: Uncertain significance. Last evaluated: 2022-06-06. Review status: criteria provided, single submitter. Criteria: Invitae Variant Classification Sherloc (09022015). Collection method: clinical testing. Allele origin: germline.
Comment: This sequence change replaces valine, which is neutral and non-polar, with alanine, which is neutral and non-polar, at codon 478 of the CDK5RAP2 protein (p.Val478Ala). This variant is present in population databases (rs587783382, gnomAD 0.03%). This variant has not been reported in the literature in individuals affected with CDK5RAP2-related conditions. ClinVar contains an entry for this variant (Variation ID: 158131). Algorithms developed to predict the effect of missense changes on protein structure and function output the following: SIFT: "Deleterious"; PolyPhen-2: "Benign"; Align-GVGD: "Class C0". The alanine amino acid residue is found in multiple mammalian species, which suggests that this missense change does not adversely affect protein function. In summary, the available evidence is currently insufficient to determine the role of this variant in disease. Therefore, it has been classified as a Variant of Uncertain Significance.

Genetic Services Laboratory, University of Chicago
Classification: Uncertain significance for Microcephaly 3, primary, autosomal recessive. Last evaluated: 2013-05-23. Review status: criteria provided, single submitter. Criteria: ACMG Guidelines, 2007. Collection method: clinical testing. Allele origin: germline. Inheritance: Autosomal recessive inheritance.